The following is an entry in ClinVar:

NM_033380.3(COL4A5):c.3513A>G (p.Gln1171=)

Gene: COL4A5 (collagen type IV alpha 5 chain; plus strand). Cytogenetic location: Xq22.3.
Variant type: single nucleotide variant.
Coding change: c.3513A>G on transcript NM_033380.3 (MANE Select); coding-DNA position 3513, A replaced by G.
Protein change: p.Gln1171=; no amino-acid change (glutamine 1171 retained).
Molecular consequence: synonymous variant.
Genome position (GRCh38, 1-based): chrX:108,666,554, A>G. VCF-style: chrX-108666554-A-G. GRCh37 (hg19) VCF-style: chrX-107909784-A-G.
Other names: p.Gln1171=; c.3513A>G, p.Gln1171= (NM_000495.5).
Identifiers: ClinVar variation 24640 (VCV000024640.28), dbSNP rs2273051, ClinGen allele CA258881.
Genomic context (GRCh38, chrX:108,666,554, plus strand): 5'-AGGTGGTGGAGGTCATCCTGGGCAACCAGGGCCTCCAGGCGAAAAAGGCAAACCCGGTCA[A>G]GATGGTATTCCTGGACCAGCTGGACAGAAGGGTGAACCAGGTGCTGTAGTTTTTCATTTT-3'
Protein context (NP_203699.1, residues 1161-1181): GPPGEKGKPG[Gln1171=]DGIPGPAGQK

ClinVar aggregate classification (germline): Benign. Review status: criteria provided, multiple submitters, no conflicts (2 of 4 stars). 11 submissions from 11 submitters: Benign (10). 1 of the submissions does not count toward it. Last evaluated 2026-02-04.

Conditions:
X-linked Alport syndrome (ATS1). Also called: NEPHROPATHY AND DEAFNESS, X-LINKED; COL4A5-Related Nephropathy. Identifiers: Orphanet 63, Orphanet 88917, MedGen C4746986, MONDO:0010520, OMIM 301050.

Allele frequency attached by ClinVar (database versions not stated): gnomAD exomes 0.01805 and 0.05289; gnomAD 0.14310 and 0.13586; ESP Exome Variant Server 0.16056; 1000 Genomes Project 0.17801; ExAC 0.08095; TOPMed 0.15537; 1000 Genomes Project 30x 0.18980.
gnomAD v4.1: 36,136 of 1,206,703 alleles (3%); highest among the groups gnomAD compares: African/African-American, 45%; 4,546 homozygotes.

Submissions 1 to 32 of 42:

Labcorp Genetics (formerly Invitae), Labcorp
Classification: Benign. Last evaluated: 2026-02-04. Review status: criteria provided, single submitter. Criteria: Invitae Variant Classification Sherloc (09022015). Collection method: clinical testing. Allele origin: germline.

Women's Health and Genetics/Laboratory Corporation of America, LabCorp
Classification: Benign. Last evaluated: 2024-11-29. Review status: criteria provided, single submitter. Criteria: LabCorp Variant Classification Summary - May 2015. Collection method: clinical testing. Allele origin: germline.

Blueprint Genetics
Classification: Benign. Last evaluated: 2024-11-28. Review status: criteria provided, single submitter. Criteria: ACMG Guidelines, 2015. Collection method: clinical testing. Allele origin: germline.

Mayo Clinic Laboratories, Mayo Clinic
Classification: Benign. Last evaluated: 2023-03-26. Review status: criteria provided, single submitter. Criteria: ACMG Guidelines, 2015. Collection method: clinical testing. Allele origin: germline. Observed: 35 variant alleles.

ARUP Laboratories, Molecular Genetics and Genomics, ARUP Laboratories
Classification: Benign for X-linked Alport syndrome. Last evaluated: 2020-01-21. Review status: criteria provided, single submitter. Criteria: ARUP Molecular Germline Variant Investigation Process. Collection method: clinical testing. Allele origin: germline.

Athena Diagnostics
Classification: Benign. Last evaluated: 2016-04-20. Review status: criteria provided, single submitter. Criteria: Athena Diagnostics Criteria. Collection method: clinical testing. Allele origin: germline.

Laboratory for Molecular Medicine, Mass General Brigham Personalized Medicine
Classification: Benign. Last evaluated: 2016-03-21. Review status: criteria provided, single submitter. Criteria: LMM Criteria. Collection method: clinical testing. Allele origin: germline. Observed: 26 variant alleles.
Comment: p.Gln1171Gln in exon 39 of COL4A5: This variant is not expected to have clinical significance because it does not alter an amino acid residue, is not located wi thin the splice consensus sequence, and has been identified in 47.64% (3343/7017 ) of African chromosomes by the Exome Aggregation Consortium (ExAC.; dbSNP rs2273051).

GeneDx
Classification: Benign. Last evaluated: 2015-03-03. Review status: criteria provided, single submitter. Criteria: GeneDx Variant Classification Process June 2021. Collection method: clinical testing. Allele origin: germline. Affected: yes.

Breakthrough Genomics
Classification: Benign. Review status: criteria provided, single submitter. Criteria: ACMG Guidelines, 2015. Collection method: not provided. Allele origin: germline. Inheritance: X-linked inheritance. Affected: yes.

PreventionGenetics, part of Exact Sciences
Classification: Benign. Review status: criteria provided, single submitter. Criteria: ACMG Guidelines, 2015. Collection method: clinical testing. Allele origin: germline.

Natera, Inc.
Classification: Benign for X-linked Alport syndrome. Last evaluated: 2020-09-16. Review status: no assertion criteria provided. Collection method: clinical testing. Allele origin: germline. Not counted in ClinVar's aggregate classification.

Dr. Peter K. Rogan Lab, Western University
No classification provided (evidence only). Condition: Lung cancer. Review status: no classification provided. Collection method: in vitro. Allele origin: not applicable. Functional consequence: retained intron. Not counted in ClinVar's aggregate classification.

Dr. Peter K. Rogan Lab, Western University
No classification provided (evidence only). Condition: Lung cancer. Review status: no classification provided. Collection method: in vitro. Allele origin: not applicable. Functional consequence: retained intron. Not counted in ClinVar's aggregate classification.

Dr. Peter K. Rogan Lab, Western University
No classification provided (evidence only). Condition: Lung cancer. Review status: no classification provided. Collection method: in vitro. Allele origin: not applicable. Functional consequence: retained intron. Not counted in ClinVar's aggregate classification.

Dr. Peter K. Rogan Lab, Western University
No classification provided (evidence only). Condition: Acute myeloid leukemia. Review status: no classification provided. Collection method: in vitro. Allele origin: not applicable. Functional consequence: retained intron. Not counted in ClinVar's aggregate classification.

Dr. Peter K. Rogan Lab, Western University
No classification provided (evidence only). Condition: Acute myeloid leukemia. Review status: no classification provided. Collection method: in vitro. Allele origin: not applicable. Functional consequence: retained intron. Not counted in ClinVar's aggregate classification.

Dr. Peter K. Rogan Lab, Western University
No classification provided (evidence only). Condition: Acute myeloid leukemia. Review status: no classification provided. Collection method: in vitro. Allele origin: not applicable. Functional consequence: retained intron. Not counted in ClinVar's aggregate classification.

Dr. Peter K. Rogan Lab, Western University
No classification provided (evidence only). Condition: Acute myeloid leukemia. Review status: no classification provided. Collection method: in vitro. Allele origin: not applicable. Functional consequence: retained intron. Not counted in ClinVar's aggregate classification.

Dr. Peter K. Rogan Lab, Western University
No classification provided (evidence only). Condition: Acute myeloid leukemia. Review status: no classification provided. Collection method: in vitro. Allele origin: not applicable. Functional consequence: retained intron. Not counted in ClinVar's aggregate classification.

Dr. Peter K. Rogan Lab, Western University
No classification provided (evidence only). Condition: Thyroid cancer, nonmedullary, 1. Review status: no classification provided. Collection method: in vitro. Allele origin: not applicable. Functional consequence: retained intron. Not counted in ClinVar's aggregate classification.

Dr. Peter K. Rogan Lab, Western University
No classification provided (evidence only). Condition: Thyroid cancer, nonmedullary, 1. Review status: no classification provided. Collection method: in vitro. Allele origin: not applicable. Functional consequence: retained intron. Not counted in ClinVar's aggregate classification.

Dr. Peter K. Rogan Lab, Western University
No classification provided (evidence only). Condition: Thyroid cancer, nonmedullary, 1. Review status: no classification provided. Collection method: in vitro. Allele origin: not applicable. Functional consequence: retained intron. Not counted in ClinVar's aggregate classification.

Dr. Peter K. Rogan Lab, Western University
No classification provided (evidence only). Condition: Thyroid cancer, nonmedullary, 1. Review status: no classification provided. Collection method: in vitro. Allele origin: not applicable. Functional consequence: retained intron. Not counted in ClinVar's aggregate classification.

Dr. Peter K. Rogan Lab, Western University
No classification provided (evidence only). Condition: Thyroid cancer, nonmedullary, 1. Review status: no classification provided. Collection method: in vitro. Allele origin: not applicable. Functional consequence: retained intron. Not counted in ClinVar's aggregate classification.

Dr. Peter K. Rogan Lab, Western University
No classification provided (evidence only). Condition: Thyroid cancer, nonmedullary, 1. Review status: no classification provided. Collection method: in vitro. Allele origin: not applicable. Functional consequence: retained intron. Not counted in ClinVar's aggregate classification.

Dr. Peter K. Rogan Lab, Western University
No classification provided (evidence only). Condition: Thyroid cancer, nonmedullary, 1. Review status: no classification provided. Collection method: in vitro. Allele origin: not applicable. Functional consequence: retained intron. Not counted in ClinVar's aggregate classification.

Dr. Peter K. Rogan Lab, Western University
No classification provided (evidence only). Condition: Sarcoma. Review status: no classification provided. Collection method: in vitro. Allele origin: not applicable. Functional consequence: retained intron. Not counted in ClinVar's aggregate classification.

Dr. Peter K. Rogan Lab, Western University
No classification provided (evidence only). Condition: Sarcoma. Review status: no classification provided. Collection method: in vitro. Allele origin: not applicable. Functional consequence: retained intron. Not counted in ClinVar's aggregate classification.

Dr. Peter K. Rogan Lab, Western University
No classification provided (evidence only). Condition: Sarcoma. Review status: no classification provided. Collection method: in vitro. Allele origin: not applicable. Functional consequence: retained intron. Not counted in ClinVar's aggregate classification.

Dr. Peter K. Rogan Lab, Western University
No classification provided (evidence only). Condition: Sarcoma. Review status: no classification provided. Collection method: in vitro. Allele origin: not applicable. Functional consequence: retained intron. Not counted in ClinVar's aggregate classification.

Dr. Peter K. Rogan Lab, Western University
No classification provided (evidence only). Condition: Sarcoma. Review status: no classification provided. Collection method: in vitro. Allele origin: not applicable. Functional consequence: retained intron. Not counted in ClinVar's aggregate classification.

Dr. Peter K. Rogan Lab, Western University
No classification provided (evidence only). Condition: Thymoma. Review status: no classification provided. Collection method: in vitro. Allele origin: not applicable. Functional consequence: retained intron. Not counted in ClinVar's aggregate classification.